The following is an entry in ClinVar:

ClinVar aggregate classification (germline): Uncertain significance (1 of 4 stars; one submission).

Conditions:
Majeed syndrome (MJDS). Also called: CHRONIC RECURRENT MULTIFOCAL OSTEOMYELITIS 1, WITH CONGENITAL DYSERYTHROPOIETIC ANEMIA, WITH OR WITHOUT NEUTROPHILIC DERMATOSIS; LPIN2-Related Majeed Syndrome. Identifiers: Orphanet 77297, MedGen C1864997, MONDO:0012316, OMIM 609628.

Allele frequency attached by ClinVar (database versions not stated): gnomAD exomes below 0.00001; ExAC 0.00001; gnomAD 0.00001; TOPMed 0.00001.
gnomAD v4.1: 3 of 1,607,822 alleles (0.00019%); highest among the groups gnomAD compares: Non-Finnish European, 0.00026%; no homozygotes.

Submission:

Labcorp Genetics (formerly Invitae), Labcorp
Classification: Uncertain significance for Majeed syndrome. Last evaluated: 2022-02-25. Review status: criteria provided, single submitter. Criteria: Invitae Variant Classification Sherloc (09022015). Collection method: clinical testing. Allele origin: germline.
Comment: This sequence change replaces histidine, which is basic and polar, with glutamine, which is neutral and polar, at codon 392 of the LPIN2 protein (p.His392Gln). This variant is present in population databases (rs774569139, gnomAD 0.0009%). This variant has not been reported in the literature in individuals affected with LPIN2-related conditions. ClinVar contains an entry for this variant (Variation ID: 1061816). Algorithms developed to predict the effect of missense changes on protein structure and function (SIFT, PolyPhen-2, Align-GVGD) all suggest that this variant is likely to be tolerated. In summary, the available evidence is currently insufficient to determine the role of this variant in disease. Therefore, it has been classified as a Variant of Uncertain Significance.

NM_001375808.2(LPIN2):c.1176C>A (p.His392Gln)

Gene: LPIN2 (lipin 2; minus strand). Cytogenetic location: 18p11.31.
Variant type: single nucleotide variant.
Coding change: c.1176C>A on transcript NM_001375808.2 (MANE Select); coding-DNA position 1176, C replaced by A.
Protein change: p.His392Gln; replaces histidine 392 with glutamine.
Molecular consequence: missense variant.
Genome position (GRCh38, 1-based): chr18:2,934,443, G>T on the plus strand (C>A on the coding strand, the complement: LPIN2 is on the minus strand). VCF-style: chr18-2934443-G-T. GRCh37 (hg19) VCF-style: chr18-2934441-G-T.
Other names: c.1176C>A, p.His392Gln (NM_001375809.1, NM_014646.2); short protein forms H392Q.
Identifiers: ClinVar variation 1061816 (VCV001061816.6), dbSNP rs774569139, ClinGen allele CA8873173.